The following is an entry in ClinVar:

NM_001846.4(COL4A2):c.2995A>G (p.Met999Val)

Gene: COL4A2 (collagen type IV alpha 2 chain; plus strand). Cytogenetic location: 13q34.
Variant type: single nucleotide variant.
Coding change: c.2995A>G on transcript NM_001846.4 (MANE Select); coding-DNA position 2995, A replaced by G.
Protein change: p.Met999Val; replaces methionine 999 with valine.
Molecular consequence: missense variant.
Genome position (GRCh38, 1-based): chr13:110,484,997, A>G. VCF-style: chr13-110484997-A-G. GRCh37 (hg19) VCF-style: chr13-111137344-A-G.
Other names: short protein forms M999V.
Identifiers: ClinVar variation 931043 (VCV000931043.3), dbSNP rs1317550156, ClinGen allele CA388728520.

ClinVar aggregate classification (germline): Uncertain significance (1 of 4 stars; one submission).

Conditions:
Brain small vessel disease 2A, autosomal dominant. Also called: Porencephaly 2. Identifiers: Orphanet 2940, Orphanet 99810, MedGen C3280970, MONDO:0013773, OMIM 614483.

Allele frequency attached by ClinVar (database versions not stated): gnomAD exomes below 0.00001 and 0.00001.
gnomAD v4.1: 5 of 1,610,784 alleles (0.00031%); highest among the groups gnomAD compares: South Asian, 0.0022%; no homozygotes.

Submission:

Centre for Mendelian Genomics, University Medical Centre Ljubljana
Classification: Uncertain significance for Brain small vessel disease 2A, autosomal dominant. Last evaluated: 2019-06-20. Review status: criteria provided, single submitter. Criteria: ACMG Guidelines, 2015. Collection method: clinical testing. Allele origin: unknown. Affected: yes.
Comment: This variant was classified as: Uncertain significance. The available evidence on this variant's pathogenicity is insufficient or conflicting. The following ACMG criteria were applied in classifying this variant: BP4.